The following is an entry in ClinVar:

NM_000202.8(IDS):c.1341G>T (p.Leu447Phe)

Gene: IDS (iduronate 2-sulfatase; minus strand). Cytogenetic location: Xq28.
Variant type: single nucleotide variant.
Coding change: c.1341G>T on transcript NM_000202.8 (MANE Select); coding-DNA position 1341, G replaced by T.
Protein change: p.Leu447Phe; replaces leucine 447 with phenylalanine.
Molecular consequence: missense variant.
Genome position (GRCh38, 1-based): chrX:149,483,058, C>A on the plus strand (G>T on the coding strand, the complement: IDS is on the minus strand). VCF-style: chrX-149483058-C-A. GRCh37 (hg19) VCF-style: chrX-148564589-C-A.
Other names: c.1071G>T, p.Leu357Phe (NM_001166550.4); short protein forms L357F, L447F.
Identifiers: ClinVar variation 3256029 (VCV003256029.2).

ClinVar aggregate classification (germline): Likely pathogenic (1 of 4 stars; one submission).

Conditions:
Mucopolysaccharidosis, MPS-II (MPS2). Also called: Hunter Syndrome; IDURONATE 2-SULFATASE DEFICIENCY; Mucopolysaccharidosis Type II; Mucopolysaccharidosis type 2; Attenuated MPS (subtype; formerly known as mild MPS II); Severe MPS II. Identifiers: Orphanet 580, Orphanet 79388, MedGen C0026705, MONDO:0010674, OMIM 309900.

Submission:

Laboratory of Diagnosis and Therapy of Lysosomal Disorders, University of Padova
Classification: Likely pathogenic for Mucopolysaccharidosis, MPS-II. Last evaluated: 2024-06-07. Review status: criteria provided, single submitter. Criteria: ACMG Guidelines, 2015. Collection method: literature only. Allele origin: germline. Affected: yes. Observed: 1 variant allele.
Comment: Absent from controls (or at low frequency) in gnomAD database (PM2_Moderate), Missense variant in a gene with a low rate of benign missense variation (PP2_Supporting), Patient’s phenotype or family history highly specific for the disease (PP4_Strong), Multiple lines of computational evidence suggest no impact on gene or gene product (BP4_Supporting)

Classification method: ACMG Guidelines [PMID:25741868] with modifications

Literature cited by the submitters: PubMed 36945845.